The following is an entry in ClinVar:

NM_004260.4(RECQL4):c.115_117del (p.Arg39del)

Genes: RECQL4 (RecQ like helicase 4; minus strand), LOC130001411 (ATAC-STARR-seq lymphoblastoid silent region 19699; plus strand). Cytogenetic location: 8q24.3.
Variant type: Deletion.
Coding change: c.115_117del on transcript NM_004260.4 (MANE Select); coding-DNA positions 115 to 117, 3 bases deleted (CGC; older notation c.115_117delCGC).
Protein change: p.Arg39del; deletes arginine 39.
Molecular consequence: 5 prime UTR variant (on NM_001413021.1). On other transcripts: non-coding transcript variant (3), intron variant (1).
Genome position (GRCh38, 1-based): chr8:144,517,603-144,517,605, GCG deleted on the plus strand (CGC on the coding strand, the reverse complement: RECQL4 is on the minus strand); deleting any 3 consecutive bases within chr8:144,517,603-144,517,606 gives the same sequence; the c. name uses the placement nearest the transcript's 3' end. VCF-style (leftmost placement, unchanged base first): chr8-144517602-CGCG-C. GRCh37 (hg19) VCF-style: chr8-145742986-CGCG-C.
Other names: c.115_117del, p.Arg39del (NM_001413017.1, NM_001413018.1, NM_001413019.1 and 5 more transcripts); c.-606_-604del (NM_001413021.1); c.-957_-955del (NM_001413022.1, NM_001413023.1, NM_001413037.1 and 2 more transcripts); c.-854_-852del (NM_001413024.1, NM_001413035.1); c.-1019_-1017del (NM_001413027.1, NM_001413030.1, NM_001413031.1 and 1 more transcripts); c.-682_-680del (NM_001413028.1); c.-916_-914del (NM_001413032.1); c.-861_-859del (NM_001413034.1); and 3 more; short protein forms R39del.
Identifiers: ClinVar variation 4813167 (VCV004813167.1).

ClinVar aggregate classification (germline): Uncertain significance (1 of 4 stars; one submission).

Conditions:
Rothmund-Thomson syndrome type 2 (RTS2). Identifiers: Orphanet 221016, MedGen C5203410, MONDO:0016369, OMIM 268400.

Submission:

St. Jude Molecular Pathology, St. Jude Children's Research Hospital
Classification: Uncertain significance for Rothmund-Thomson syndrome type 2. Last evaluated: 2026-02-11. Review status: criteria provided, single submitter. Criteria: St. Jude Assertion Criteria 2020. Collection method: clinical testing. Allele origin: germline.
Comment: The RECQL4 c.115_117del p.(Arg39del) change deletes three nucleotides at position 115-117 resulting in an in-frame deletion of one amino acid at codon 39. This variant is absent in gnomAD v2.1.1, however data at this position may not be reliable due to mean depth of coverage <30X. To our knowledge, this variant has not been reported in individuals with RECQL4-associated conditions. In summary, the evidence currently available is insufficient to determine the clinical significance of this variant. It has therefore been classified as of uncertain significance.